The following is an entry in ClinVar:

ClinVar aggregate classification (germline): Uncertain significance (1 of 4 stars; one submission).

Conditions:
Dyskeratosis congenita, autosomal dominant 1 (DKCA1). Also called: Dyskeratosis congenita Scoggins type. Identifiers: Orphanet 1775, MedGen C4551974, MONDO:0007485, OMIM 127550. Inheritance: Variable.

Submission:

Labcorp Genetics (formerly Invitae), Labcorp
Classification: Uncertain significance for Dyskeratosis congenita, autosomal dominant 1. Last evaluated: 2023-02-08. Review status: criteria provided, single submitter. Criteria: Invitae Variant Classification Sherloc (09022015). Collection method: clinical testing. Allele origin: germline.
Comment: This variant is located within the conserved regions 4 and 5 (CR4-CR5) domain of the TERC RNA component, which is required for telomerase activity (PMID: 15082312, 21844345). In summary, the available evidence is currently insufficient to determine the role of this variant in disease. Therefore, it has been classified as a Variant of Uncertain Significance. This variant has not been reported in the literature in individuals affected with TERC-related conditions. This variant is not present in population databases (gnomAD no frequency). This variant occurs in the TERC gene, which encodes an RNA molecule that does not result in a protein product.

Literature cited by the submitters: PubMed 15082312; PubMed 21844345.

NC_000003.12:g.169764775G>C

Genes: TERC (telomerase RNA component; minus strand), LOC110806306 (telomerase RNA component (TERC) promoter; plus strand). Cytogenetic location: 3q26.2.
Variant type: single nucleotide variant.
Genome position: GRCh38 VCF-style: chr3-169764775-G-C. GRCh37 (hg19) VCF-style: chr3-169482563-G-C.
Identifiers: ClinVar variation 2835501 (VCV002835501.3), dbSNP rs2474262148, ClinGen allele CA436715157.